The following is an entry in ClinVar:

NM_000540.3(RYR1):c.345+3G>A

Gene: RYR1 (ryanodine receptor 1; plus strand). Cytogenetic location: 19q13.2.
Variant type: single nucleotide variant.
Coding change: c.345+3G>A on transcript NM_000540.3 (MANE Select); 3 bases into the intron after coding-DNA position 345, G replaced by A.
Molecular consequence: intron variant.
Genome position (GRCh38, 1-based): chr19:38,443,635, G>A. VCF-style: chr19-38443635-G-A. GRCh37 (hg19) VCF-style: chr19-38934275-G-A.
Other names: c.345+3G>A (NM_001042723.2).
Identifiers: ClinVar variation 3069617 (VCV003069617.1), dbSNP rs2513971671, ClinGen allele CA2814332789.
Genomic context (GRCh38, chr19:38,443,635, plus strand): 5'-ACACAGGACGCTCCTGTATGGCCATGCCATCCTGCTCCGGCATGCACACAGCCGCATGGT[G>A]AGTGCAACCTCGGTGGGCGTGGGCAGGGGCCAGGGCATGTGGGGCCTGCTAGAAGGAGGC-3'

ClinVar aggregate classification (germline): Uncertain significance (1 of 4 stars; one submission).

Conditions:
Malignant hyperthermia, susceptibility to, 1 (MHS1). Also called: RYR1-Related Malignant Hyperthermia Susceptibility; Anesthesia related hyperthermia; Malignant hyperpyrexia; Fulminating hyperpyrexia; Pharmacogenic myopathy; Malignant hyperthermia suceptibility 1. Identifiers: Orphanet 423, MedGen C2930980, MONDO:0007783, OMIM 145600.

Submission:

All of Us Research Program, National Institutes of Health
Classification: Uncertain significance for Malignant hyperthermia, susceptibility to, 1. Last evaluated: 2023-02-24. Review status: criteria provided, single submitter. Criteria: ACMG Guidelines, 2015. Collection method: clinical testing. Allele origin: germline. Inheritance: Autosomal dominant inheritance. Observed: 1 variant allele, 1 heterozygote.
Comment: This variant causes a G to A nucleotide substitution at the +3 position of intron 4 of the RYR1 gene. To our knowledge, functional studies have not been reported for this variant. This variant has not been reported in individuals affected with RYR1-related disorders in the literature. This variant has not been identified in the general population by the Genome Aggregation Database (gnomAD). The available evidence is insufficient to determine the role of this variant in disease conclusively. Therefore, this variant is classified as a Variant of Uncertain Significance.

This study involves interpretation of variants in research participants for the purpose of population health screening. Participant phenotype was not available at the time of variant classification. Additional details can be found in publication PMID: 35346344, PMCID: PMC8962531